The following is an entry in ClinVar:

ClinVar aggregate classification (germline): Uncertain significance (1 of 4 stars; one submission).

Conditions:
Propionic acidemia (PROP). Also called: GLYCINEMIA, KETOTIC; HYPERGLYCINEMIA WITH KETOACIDOSIS AND LEUKOPENIA; KETOTIC HYPERGLYCINEMIA. Identifiers: Orphanet 35, MedGen C0268579, MONDO:0011628, OMIM 606054, HP:0003571.

Submission:

Labcorp Genetics (formerly Invitae), Labcorp
Classification: Uncertain significance for Propionic acidemia. Last evaluated: 2022-06-01. Review status: criteria provided, single submitter. Criteria: Invitae Variant Classification Sherloc (09022015). Collection method: clinical testing. Allele origin: germline.
Comment: In summary, the available evidence is currently insufficient to determine the role of this variant in disease. Therefore, it has been classified as a Variant of Uncertain Significance. Advanced modeling of protein sequence and biophysical properties (such as structural, functional, and spatial information, amino acid conservation, physicochemical variation, residue mobility, and thermodynamic stability) performed at Invitae indicates that this missense variant is expected to disrupt PCCB protein function. This sequence change replaces valine, which is neutral and non-polar, with aspartic acid, which is acidic and polar, at codon 239 of the PCCB protein (p.Val239Asp). This variant is not present in population databases (gnomAD no frequency). This variant has not been reported in the literature in individuals affected with PCCB-related conditions.

NM_000532.5(PCCB):c.716T>A (p.Val239Asp)

Gene: PCCB (propionyl-CoA carboxylase subunit beta; plus strand). Cytogenetic location: 3q22.3.
Variant type: single nucleotide variant.
Coding change: c.716T>A on transcript NM_000532.5 (MANE Select); coding-DNA position 716, T replaced by A.
Protein change: p.Val239Asp; replaces valine 239 with aspartic acid.
Molecular consequence: missense variant.
Genome position (GRCh38, 1-based): chr3:136,293,817, T>A. VCF-style: chr3-136293817-T-A. GRCh37 (hg19) VCF-style: chr3-136012659-T-A.
Other names: c.776T>A, p.Val259Asp (NM_001178014.2); short protein forms V239D, V259D.
Identifiers: ClinVar variation 2001632 (VCV002001632.4), dbSNP rs2529865895, ClinGen allele CA354643644.